The following is an entry in ClinVar:

ClinVar aggregate classification (germline): Likely benign (1 of 4 stars; one submission).

Conditions:
Breast-ovarian cancer, familial, susceptibility to, 2 (BROVCA2). Also called: BRCA2 Hereditary Breast and Ovarian Cancer. Identifiers: Orphanet 145, MedGen C2675520, MONDO:0012933, OMIM 612555. Disease mechanism: loss of function.

gnomAD v4.1: 1 of 1,607,616 alleles (0.000062%); highest among the groups gnomAD compares: South Asian, 0.0011%; no homozygotes.

Submission:

Cancer Bioinformatics and Tumour Evolution Laboratory, Monash University
Classification: Likely benign for Breast-ovarian cancer, familial, susceptibility to, 2. Last evaluated: 2026-05-01. Review status: criteria provided, single submitter. Criteria: ClinGen BRCA1 and BRCA2 Guidelines, 2024. Collection method: curation. Allele origin: germline. Inheritance: Autosomal dominant inheritance.
Comment: Missense variant outside of a functional domain with no splice impact. BRCA1 and BRCA2 VCEP guidelines recommend application of BP1_Strong (PMID: 39142283)

NM_000059.4(BRCA2):c.6250G>T (p.Asp2084Tyr)

Gene: BRCA2 (BRCA2 DNA repair associated; plus strand). Cytogenetic location: 13q13.1.
Variant type: single nucleotide variant.
Coding change: c.6250G>T on transcript NM_000059.4 (MANE Select); coding-DNA position 6250, G replaced by T.
Protein change: p.Asp2084Tyr; replaces aspartic acid 2084 with tyrosine.
Molecular consequence: missense variant. On other transcripts: non-coding transcript variant (1), intron variant (2).
Genome position (GRCh38, 1-based): chr13:32,340,605, G>T. VCF-style: chr13-32340605-G-T. GRCh37 (hg19) VCF-style: chr13-32914742-G-T.
Other names: c.6250G>T, p.Asp2084Tyr (NM_001406719.1, NM_001406720.1, NM_001432077.1); c.1910-3953G>T (NM_001406721.1); c.425-3953G>T (NM_001406722.1); short protein forms D2084Y.
Identifiers: ClinVar variation 4856596 (VCV004856596.1).